The following is an entry in ClinVar:

NM_000384.3(APOB):c.11095A>T (p.Arg3699Ter)

Gene: APOB (apolipoprotein B; minus strand). Cytogenetic location: 2p24.1.
Variant type: single nucleotide variant.
Coding change: c.11095A>T on transcript NM_000384.3 (MANE Select); coding-DNA position 11095, A replaced by T.
Protein change: p.Arg3699Ter; replaces arginine 3699 with a stop codon.
Molecular consequence: nonsense.
Genome position (GRCh38, 1-based): chr2:21,005,773, T>A on the plus strand (A>T on the coding strand, the complement: APOB is on the minus strand). VCF-style: chr2-21005773-T-A. GRCh37 (hg19) VCF-style: chr2-21228645-T-A.
Other names: short protein forms R3699*.
Identifiers: ClinVar variation 3752274 (VCV003752274.2).

ClinVar aggregate classification (germline): Pathogenic (1 of 4 stars; one submission).

Conditions:
Familial hypobetalipoproteinemia 1. Also called: APOB-Related Familial Hypobetalipoproteinemia; Hypobetalipoproteinemia, normotriglyceridemic; Acanthocytosis with hypobetalipoproteinemia. Identifiers: MedGen C4551990, MONDO:0014252, OMIM 615558.
Hypercholesterolemia, autosomal dominant, type B (FHCL2). Also called: Familial Hypercholesterolemia Type B; APOLIPOPROTEIN B-100, FAMILIAL DEFECTIVE; APOLIPOPROTEIN B-100, FAMILIAL LIGAND-DEFECTIVE; HYPERCHOLESTEROLEMIA, FAMILIAL, DUE TO LIGAND-DEFECTIVE APOLIPOPROTEIN B; Hyperlipoproteinemia Type IIb; Familial hypercholesterolemia 2. Identifiers: MedGen C1704417, MONDO:0007751, OMIM 144010.

Submission:

Labcorp Genetics (formerly Invitae), Labcorp
Classification: Pathogenic for Familial hypobetalipoproteinemia 1; Hypercholesterolemia, autosomal dominant, type B. Last evaluated: 2024-09-26. Review status: criteria provided, single submitter. Criteria: Invitae Variant Classification Sherloc (09022015). Collection method: clinical testing. Allele origin: germline.
Comment: This sequence change creates a premature translational stop signal (p.Arg3699*) in the APOB gene. It is expected to result in an absent or disrupted protein product. Loss-of-function variants in APOB are known to be pathogenic (PMID: 20032471). This variant is not present in population databases (gnomAD no frequency). This premature translational stop signal has been observed in individual(s) with clinical features of familial hypobetalipoproteinemia (PMID: 24001780). This variant is also known as Arg3672X. Algorithms developed to predict the effect of sequence changes on RNA splicing suggest that this variant may create or strengthen a splice site. For these reasons, this variant has been classified as Pathogenic.

Literature cited by the submitters: PubMed 20032471; PubMed 24001780.